The following is an entry in ClinVar:

NM_002972.4(SBF1):c.3977G>A (p.Gly1326Asp)

Gene: SBF1 (SET binding factor 1; minus strand). Cytogenetic location: 22q13.33.
Variant type: single nucleotide variant.
Coding change: c.3977G>A on transcript NM_002972.4 (MANE Select); coding-DNA position 3977, G replaced by A.
Protein change: p.Gly1326Asp; replaces glycine 1326 with aspartic acid.
Molecular consequence: missense variant.
Genome position (GRCh38, 1-based): chr22:50,456,601, C>T on the plus strand (G>A on the coding strand, the complement: SBF1 is on the minus strand). VCF-style: chr22-50456601-C-T. GRCh37 (hg19) VCF-style: chr22-50895030-C-T.
Other names: c.3902G>A, p.Gly1301Asp (NM_001365819.1); short protein forms G1301D, G1326D.
Identifiers: ClinVar variation 1467966 (VCV001467966.3), dbSNP rs1280133443, ClinGen allele CA412200403.

ClinVar aggregate classification (germline): Uncertain significance (1 of 4 stars; one submission).

Allele frequency attached by ClinVar (database versions not stated): gnomAD exomes 0.00001.
gnomAD v4.1: 8 of 1,532,678 alleles (0.00052%); highest among the groups gnomAD compares: Non-Finnish European, 0.0007%; no homozygotes.

Submission:

Labcorp Genetics (formerly Invitae), Labcorp
Classification: Uncertain significance. Last evaluated: 2021-10-27. Review status: criteria provided, single submitter. Criteria: Invitae Variant Classification Sherloc (09022015). Collection method: clinical testing. Allele origin: germline.
Comment: This sequence change replaces glycine, which is neutral and non-polar, with aspartic acid, which is acidic and polar, at codon 1326 of the SBF1 protein (p.Gly1326Asp). This variant is not present in population databases (gnomAD no frequency). This variant has not been reported in the literature in individuals affected with SBF1-related conditions. Algorithms developed to predict the effect of missense changes on protein structure and function are either unavailable or do not agree on the potential impact of this missense change (SIFT: "Tolerated"; PolyPhen-2: "Possibly Damaging"; Align-GVGD: "Class C0"). In summary, the available evidence is currently insufficient to determine the role of this variant in disease. Therefore, it has been classified as a Variant of Uncertain Significance.